The following is an entry in ClinVar:

ClinVar aggregate classification (germline): Conflicting classifications of pathogenicity. Review status: criteria provided, conflicting classifications (1 of 4 stars). 2 submissions from 2 submitters: Likely pathogenic (1); Uncertain significance (1). Last evaluated 2023-07-06.

Conditions:
PKD1-related disorder. Also called: PKD1-related condition.

Allele frequency attached by ClinVar (database versions not stated): gnomAD exomes below 0.00001.
gnomAD v4.1: 1 of 1,608,550 alleles (0.000062%); highest among the groups gnomAD compares: Non-Finnish European, 0.000085%; no homozygotes.

Submissions (2):

Blueprint Genetics
Classification: Likely pathogenic for PKD1-related disorders. Last evaluated: 2023-07-06. Review status: criteria provided, single submitter. Criteria: ACMG Guidelines, 2015. Collection method: clinical testing. Allele origin: germline. Affected: yes. Observed: 1 variant allele.

PreventionGenetics, part of Exact Sciences
Classification: Uncertain significance for PKD1-related condition. Last evaluated: 2023-03-16. Review status: criteria provided, single submitter. Criteria: ACMG Guidelines, 2015. Collection method: clinical testing. Allele origin: germline.
Comment: The PKD1 c.10969G>A variant is predicted to result in the amino acid substitution p.Ala3657Thr. To our knowledge, this variant has not been reported in the literature or in a large population database, indicating this variant is rare. However, a different missense substitution affecting this residue has been reported to segregate in a family with autosomal dominant polycystic kidney disease (ADPKD) (p.Ala3657Pro, Supplementary Table 6, Hwang et al. 2016. PubMed ID: 26453610). Another substitution at this amino acid (p.Ala3657Asp) was also reported in a family with ADPKD; however, the variant did not segregate in the family (Supplementary Table 6, Audrézet et al. 2012. PubMed ID: 22508176). Although we suspect that this variant may be pathogenic, at this time, the clinical significance of this variant is uncertain due to the absence of conclusive functional and genetic evidence.

NM_001009944.3(PKD1):c.10969G>A (p.Ala3657Thr)

Genes: PKD1 (polycystin 1, transient receptor potential channel interacting; minus strand), PKD1-AS1 (PKD1 antisense RNA 1; plus strand). Cytogenetic location: 16p13.3.
Variant type: single nucleotide variant.
Coding change: c.10969G>A on transcript NM_001009944.3 (MANE Select); coding-DNA position 10969, G replaced by A.
Protein change: p.Ala3657Thr; replaces alanine 3657 with threonine.
Molecular consequence: missense variant.
Genome position (GRCh38, 1-based): chr16:2,093,591, C>T on the plus strand (G>A on the coding strand, the complement: PKD1 is on the minus strand). VCF-style: chr16-2093591-C-T. GRCh37 (hg19) VCF-style: chr16-2143592-C-T.
Other names: c.10966G>A, p.Ala3656Thr (NM_000296.4); short protein forms A3656T, A3657T.
Identifiers: ClinVar variation 2633625 (VCV002633625.2), dbSNP rs2544646708, ClinGen allele CA394338724.
Genomic context (GRCh38, chr16:2,093,591, plus strand): 5'-CACCCAGGCTCACCCGCAGCATGCCATGTAGCCTCTTGACCTTGCGGGCTTCTTCCTTGG[C>T]CAGGAAGAGTGCAAAGCCGTGGGGTGGCCGTACGCGGGGCACACGTGCGCTCACAGGCGT-3'
Protein context (NP_001009944.3, residues 3647-3667): RPPHGFALFL[Ala3657Thr]KEEARKVKRL